The following is an entry in ClinVar:

NM_001256627.2(BRSK2):c.533C>T (p.Ser178Phe)

Gene: BRSK2 (BR serine/threonine kinase 2; plus strand). Cytogenetic location: 11p15.5.
Variant type: single nucleotide variant.
Coding change: c.533C>T on transcript NM_001256627.2 (MANE Select); coding-DNA position 533, C replaced by T.
Protein change: p.Ser178Phe; replaces serine 178 with phenylalanine.
Molecular consequence: missense variant. On other transcripts: non-coding transcript variant (1).
Genome position (GRCh38, 1-based): chr11:1,443,108, C>T. VCF-style: chr11-1443108-C-T. GRCh37 (hg19) VCF-style: chr11-1464338-C-T.
Other names: c.533C>T, p.Ser178Phe (NM_001256629.2, NM_003957.4); c.671C>T, p.Ser224Phe (NM_001256630.1); c.353C>T, p.Ser118Phe (NM_001282218.2); short protein forms S118F, S178F, S224F.
Identifiers: ClinVar variation 1809930 (VCV001809930.3), dbSNP rs2539482213, ClinGen allele CA379058752.

ClinVar aggregate classification (germline): Likely pathogenic (1 of 4 stars; one submission).

Submission:

GeneDx
Classification: Likely pathogenic. Last evaluated: 2026-10-19. Review status: criteria provided, single submitter. Criteria: GeneDx Variant Classification Process June 2021. Collection method: clinical testing. Allele origin: germline.
Comment: Not observed at significant frequency in large population cohorts (gnomAD); In silico analysis supports that this missense variant has a deleterious effect on protein structure/function; Has not been previously published as pathogenic or benign to our knowledge